The following is an entry in ClinVar:

ClinVar aggregate classification (germline): Uncertain significance (1 of 4 stars; one submission).

Conditions:
Hereditary cancer-predisposing syndrome. Also called: Neoplastic Syndromes, Hereditary; Tumor predisposition; Hereditary Cancer Syndrome; Hereditary neoplastic syndrome. Identifiers: Orphanet 140162, MedGen C0027672, MeSH D009386, MONDO:0015356.

Submission:

Ambry Genetics
Classification: Uncertain significance for Hereditary cancer-predisposing syndrome. Last evaluated: 2020-01-02. Review status: criteria provided, single submitter. Criteria: Ambry Variant Classification Scheme 2023. Collection method: clinical testing. Allele origin: germline.
Comment: The p.N680D variant (also known as c.2038A>G), located in coding exon 7 of the MET gene, results from an A to G substitution at nucleotide position 2038. The asparagine at codon 680 is replaced by aspartic acid, an amino acid with highly similar properties. This amino acid position is poorly conserved in available vertebrate species. In addition, this alteration is predicted to be tolerated by in silico analysis. Since supporting evidence is limited at this time, the clinical significance of this alteration remains unclear.

NM_000245.4(MET):c.2038A>G (p.Asn680Asp)

Gene: MET (MET proto-oncogene, receptor tyrosine kinase; plus strand). Cytogenetic location: 7q31.2.
Variant type: single nucleotide variant.
Coding change: c.2038A>G on transcript NM_000245.4 (MANE Select); coding-DNA position 2038, A replaced by G.
Protein change: p.Asn680Asp; replaces asparagine 680 with aspartic acid.
Molecular consequence: missense variant.
Genome position (GRCh38, 1-based): chr7:116,757,710, A>G. VCF-style: chr7-116757710-A-G. GRCh37 (hg19) VCF-style: chr7-116397764-A-G.
Other names: c.2038A>G, p.Asn680Asp (NM_001127500.3, NM_001324401.3); c.748A>G, p.Asn250Asp (NM_001324402.2); short protein forms N250D, N680D.
Identifiers: ClinVar variation 1784843 (VCV001784843.2), dbSNP rs2116924321, ClinGen allele CA368979878.